The following is an entry in ClinVar:

ClinVar aggregate classification (germline): Likely benign. Review status: reviewed by expert panel (3 of 4 stars). 2 submissions from 2 submitters: Likely benign (1). 1 of the submissions does not count toward it. Last evaluated 2025-08-03.

Conditions:
Primary ciliary dyskinesia. Also called: Ciliary dyskinesia. Identifiers: Orphanet 244, MedGen C0008780, MONDO:0016575, HP:0012265.
RPGR-related retinopathy. Also called: RPGR retinopathy. Identifiers: MedGen CN305589, MONDO:0100437.

Allele frequency attached by ClinVar (database versions not stated): gnomAD exomes below 0.00001; TOPMed below 0.00001; gnomAD 0.00001.
gnomAD v4.1: 4 of 1,189,874 alleles (0.00034%); highest among the groups gnomAD compares: Non-Finnish European, 0.00045%; no homozygotes.

Submissions (2):

ClinGen X-linked Inherited Retinal Disease Variant Curation Expert Panel, ClinGen
Classification: Likely benign for RPGR-related retinopathy. Last evaluated: 2025-08-03. Review status: reviewed by expert panel. Criteria: ClinGen X LinkedIRD ACMG Specifications RPGR V1.0.0. Collection method: curation. Allele origin: germline. Inheritance: X-linked inheritance.
Comment: NM_001034853.2(RPGR):c.16G>C variant is a missense variant predicted to result in the substitution of glutamic acid with glutamine at amino acid 6. This variant is present in gnomAD v.4.1.0 at a frequency of 0.000002592 among hemizygous individuals, with 1 variant allele / 385,738 total alleles, which is lower than the ClinGen X-linked IRD VCEP BS1 threshold of >0.000005 but higher than the PM2_Supporting threshold of <0.0000005, so neither population code was met. The computational predictor REVEL gives a score of 0.051, which is below the ClinGen X-linked IRD VCEP threshold of < 0.183 and predicts a non-damaging effect on RPGR function. Additionally, the splicing impact predictor SpliceAI gives a delta score of 0.00, which is below the ClinGen X-linked IRD VCEP recommended threshold of <0.1 and does not strongly predict an impact on splicing (BP4_Moderate). In summary, this variant is classified as likely benign for RPGR-related retinopathy based on the ClinGen X-linked Inherited Retinal Disease Expert Panel Specifications to the ACMG/AMP Variant Interpretation Guidelines for RPGR Version 1.0.0; BP4_Moderate. (date of approval 05/16/2025).

Ambry Genetics
Classification: Uncertain significance for Primary ciliary dyskinesia. Last evaluated: 2022-09-06. Review status: criteria provided, single submitter. Criteria: Ambry Variant Classification Scheme 2023. Collection method: clinical testing. Allele origin: germline. Not counted in ClinVar's aggregate classification.

NM_001034853.2(RPGR):c.16G>C (p.Glu6Gln)

Genes: RPGR (retinitis pigmentosa GTPase regulator; minus strand), LOC130068098 (ATAC-STARR-seq lymphoblastoid silent region 20735; plus strand). Cytogenetic location: Xp11.4.
Variant type: single nucleotide variant.
Coding change: c.16G>C on transcript NM_001034853.2 (MANE Select); coding-DNA position 16, G replaced by C.
Protein change: p.Glu6Gln; replaces glutamic acid 6 with glutamine.
Molecular consequence: missense variant. On other transcripts: non-coding transcript variant (5).
Genome position (GRCh38, 1-based): chrX:38,327,352, C>G on the plus strand (G>C on the coding strand, the complement: RPGR is on the minus strand). VCF-style: chrX-38327352-C-G. GRCh37 (hg19) VCF-style: chrX-38186605-C-G.
Other names: NM_001034853.2(RPGR):c.16G>C; p.Glu6Gln; c.16G>C, p.Glu6Gln (NM_000328.3, NM_001367245.1, NM_001367246.1 and 4 more transcripts); short protein forms E6Q.
Identifiers: ClinVar variation 2310457 (VCV002310457.3), dbSNP rs1199553512, ClinGen allele CA412746906.